The following is an entry in ClinVar:

ClinVar aggregate classification (germline): Likely benign (1 of 4 stars; one submission).

Conditions:
DYRK1B-related disorder. Also called: DYRK1B-related condition.

Submission:

PreventionGenetics, part of Exact Sciences
Classification: Likely benign for DYRK1B-related condition. Last evaluated: 2025-08-11. Review status: criteria provided, single submitter. Criteria: ACMG Guidelines, 2015. Collection method: clinical testing. Allele origin: germline.
Comment: This variant is classified as likely benign based on ACMG/AMP sequence variant interpretation guidelines (Richards et al. 2015 PMID: 25741868, with internal and published modifications).

NM_004714.3(DYRK1B):c.1152C>T (p.Gly384=)

Gene: DYRK1B (dual specificity tyrosine phosphorylation regulated kinase 1B; minus strand). Cytogenetic location: 19q13.2.
Variant type: single nucleotide variant.
Coding change: c.1152C>T on transcript NM_004714.3 (MANE Select); coding-DNA position 1152, C replaced by T.
Protein change: p.Gly384=; no amino-acid change (glycine 384 retained).
Molecular consequence: synonymous variant. On other transcripts: intron variant (2).
Genome position (GRCh38, 1-based): chr19:39,826,931, G>A on the plus strand (C>T on the coding strand, the complement: DYRK1B is on the minus strand). VCF-style: chr19-39826931-G-A. GRCh37 (hg19) VCF-style: chr19-40317571-G-A.
Other names: c.1096-64C>T (NM_006483.3); c.1131+21C>T (NM_006484.3).
Identifiers: ClinVar variation 4983981 (VCV004983981.1).